The following is an entry in ClinVar:

ClinVar aggregate classification (germline): Likely benign. Review status: criteria provided, multiple submitters, no conflicts (2 of 4 stars). 3 submissions from 3 submitters: Likely benign (2). 1 of the submissions does not count toward it. Last evaluated 2024-12-22.

Conditions:
PCNT-related disorder. Also called: PCNT-related condition.

Allele frequency attached by ClinVar (database versions not stated): gnomAD exomes 0.00006; ExAC 0.00007; ESP Exome Variant Server 0.00008; TOPMed 0.00011; gnomAD 0.00016.
gnomAD v4.1: 93 of 1,614,062 alleles (0.0058%); highest among the groups gnomAD compares: Admixed American, 0.023%; no homozygotes.

Submissions (3):

Labcorp Genetics (formerly Invitae), Labcorp
Classification: Likely benign. Last evaluated: 2024-12-22. Review status: criteria provided, single submitter. Criteria: Invitae Variant Classification Sherloc (09022015). Collection method: clinical testing. Allele origin: germline.

Genetic Services Laboratory, University of Chicago
Classification: Likely benign. Last evaluated: 2017-01-19. Review status: criteria provided, single submitter. Criteria: ACMG Guidelines, 2015. Collection method: clinical testing. Allele origin: germline. Affected: no.

PreventionGenetics, part of Exact Sciences
Classification: Likely benign for PCNT-related condition. Last evaluated: 2022-08-16. Review status: no assertion criteria provided. Collection method: clinical testing. Allele origin: germline. Not counted in ClinVar's aggregate classification.
Comment: This variant is classified as likely benign based on ACMG/AMP sequence variant interpretation guidelines (Richards et al. 2015 PMID: 25741868, with internal and published modifications).

NM_006031.6(PCNT):c.8130C>T (p.His2710=)

Gene: PCNT (pericentrin; plus strand). Cytogenetic location: 21q22.3.
Variant type: single nucleotide variant.
Coding change: c.8130C>T on transcript NM_006031.6 (MANE Select); coding-DNA position 8130, C replaced by T.
Protein change: p.His2710=; no amino-acid change (histidine 2710 retained).
Molecular consequence: synonymous variant.
Genome position (GRCh38, 1-based): chr21:46,431,594, C>T. VCF-style: chr21-46431594-C-T. GRCh37 (hg19) VCF-style: chr21-47851508-C-T.
Other names: c.7776C>T, p.His2592= (NM_001315529.2).
Identifiers: ClinVar variation 436225 (VCV000436225.11), dbSNP rs373738288, ClinGen allele CA10080899.